The following is an entry in ClinVar:

NM_001330078.2(NRXN1):c.3479A>G (p.Gln1160Arg)

Gene: NRXN1 (neurexin 1; minus strand). Cytogenetic location: 2p16.3.
Variant type: single nucleotide variant.
Coding change: c.3479A>G on transcript NM_001330078.2 (MANE Select); coding-DNA position 3479, A replaced by G.
Protein change: p.Gln1160Arg; replaces glutamine 1160 with arginine.
Molecular consequence: missense variant.
Genome position (GRCh38, 1-based): chr2:50,236,856, T>C on the plus strand (A>G on the coding strand, the complement: NRXN1 is on the minus strand). VCF-style: chr2-50236856-T-C. GRCh37 (hg19) VCF-style: chr2-50463994-T-C.
Other names: p.Q1200R:CAG>CGG; c.3599A>G, p.Gln1200Arg (NM_001135659.3); c.3455A>G, p.Gln1152Arg (NM_001330077.2, NM_001330082.2); c.3413A>G, p.Gln1138Arg (NM_001330083.2, NM_001330084.2); c.3452A>G, p.Gln1151Arg (NM_001330085.2); c.3479A>G, p.Gln1160Arg (NM_001330086.2, NM_004801.6); c.3368A>G, p.Gln1123Arg (NM_001330087.2, NM_001330096.2); c.3398A>G, p.Gln1133Arg (NM_001330088.2); and 4 more; short protein forms Q1200R, Q1152R, Q1123R, Q1138R, Q1143R, Q1151R, Q1156R, Q1160R.
Identifiers: ClinVar variation 206266 (VCV000206266.6), dbSNP rs768319291, ClinGen allele CA316179.

ClinVar aggregate classification (germline): Uncertain significance. Review status: criteria provided, multiple submitters, no conflicts (2 of 4 stars). 2 submissions from 2 submitters: Uncertain significance (2). Last evaluated 2022-02-28.

Conditions:
Pitt-Hopkins-like syndrome 2 (PTHSL2). Identifiers: Orphanet 221150, Orphanet 600663, MedGen C3280479, MONDO:0013690, OMIM 614325.

Allele frequency attached by ClinVar (database versions not stated): TOPMed below 0.00001; gnomAD 0.00001; gnomAD exomes 0.00001; ExAC 0.00002.
gnomAD v4.1: 7 of 1,613,244 alleles (0.00043%); highest among the groups gnomAD compares: Admixed American, 0.0017%; no homozygotes.

Submissions (2):

Labcorp Genetics (formerly Invitae), Labcorp
Classification: Uncertain significance for Pitt-Hopkins-like syndrome 2. Last evaluated: 2022-02-28. Review status: criteria provided, single submitter. Criteria: Invitae Variant Classification Sherloc (09022015). Collection method: clinical testing. Allele origin: germline.
Comment: In summary, the available evidence is currently insufficient to determine the role of this variant in disease. Therefore, it has been classified as a Variant of Uncertain Significance. Algorithms developed to predict the effect of missense changes on protein structure and function are either unavailable or do not agree on the potential impact of this missense change (SIFT: "Tolerated"; PolyPhen-2: "Possibly Damaging"; Align-GVGD: "Class C0"). ClinVar contains an entry for this variant (Variation ID: 206266). This variant has not been reported in the literature in individuals affected with NRXN1-related conditions. This variant is present in population databases (rs768319291, gnomAD 0.002%). This sequence change replaces glutamine, which is neutral and polar, with arginine, which is basic and polar, at codon 1200 of the NRXN1 protein (p.Gln1200Arg).

GeneDx
Classification: Uncertain significance. Last evaluated: 2014-03-12. Review status: criteria provided, single submitter. Criteria: GeneDx Variant Classification (06012015). Collection method: clinical testing. Allele origin: germline. Affected: yes.
Comment: The Q1200R variant has not been published as a mutation, nor has it been reported as a benign polymorphism to our knowledge. It was not observed in approximately 6,500 individuals of European and African American ancestry in the NHLBI Exome Sequencing Project, indicating it is not a common benign variant in these population. The Q1200R variant is a semi-conservative amino acid substitution, which may impact secondary protein structure as these residues differ in some properties. This substitution occurs at a position that is not conserved across species, and in silico analysis is inconsistent in its predictions as to whether or not the variant is damaging to the protein structure/function. Therefore, based on the currently available information, it is unclear whether this variant is a pathogenic mutation or a rare benign variant. The variant is found in INFANT-EPI panel(s).